The following is an entry in ClinVar:

ClinVar aggregate classification (germline): Uncertain significance (1 of 4 stars; one submission).

Conditions:
Neurodevelopmental disorder with hypotonia, brain anomalies, distinctive facies, and absent language. Also called: ReNU SYNDROME; RNU4-2-Related Neurodevelopmental Disorder; RNU4-2–Related Autosomal Dominant Neurodevelopmental Disorder. Identifiers: Orphanet 686488, MedGen C5935628, MONDO:0971172, OMIM 620851.

Submission:

Centre for Population Genomics, CPG
Classification: Uncertain significance for RNU4-2-Related Neurodevelopmental Disorder. Last evaluated: 2026-02-11. Review status: criteria provided, single submitter. Criteria: Ellingford et al. (Genome Med. 2022). Collection method: research. Allele origin: germline. Inheritance: Autosomal recessive inheritance. Affected: yes. Observed: 2 variant alleles, 2 homozygotes.
Comment: PM2_supp,PS3_supp,PM1,PM3_supp

NR_003137.3(RNU4-2):n.27C>G

Genes: RNU4-2 (RNA, U4 small nuclear 2; minus strand), SIRT4 (sirtuin 4; plus strand). Cytogenetic location: 12q24.23.
Variant type: single nucleotide variant.
Molecular consequence: non-coding transcript variant (on NR_003137.3).
Genome position: GRCh38 VCF-style: chr12-120291877-G-C. GRCh37 (hg19) VCF-style: chr12-120729680-G-C.
Identifiers: ClinVar variation 4795812 (VCV004795812.1).
Genomic context (GRCh38, chr12:120,291,877, plus strand): 5'-GGCGGGGTATTGGGAAAAGTTTTCAATTAGCAATAATCGCGCCTCGGATAAACCTCATTG[G>C]CTACGATACTGCCACTGCGCAAAGCTGGAAAGGTTCTGTTCGCGCCCCGCTCCCCCACGG-3'